The following is an entry in ClinVar:

ClinVar aggregate classification (germline): Uncertain significance (1 of 4 stars; one submission).

Conditions:
Low phospholipid associated cholelithiasis (GBD1). Also called: Gallbladder disease 1; Gallstone cholecystitis. Identifiers: Orphanet 69663, MedGen C2609268, MONDO:0010939, OMIM 600803.

Submission:

Genomenon, Inc
Classification: Uncertain significance for Low phospholipid associated cholelithiasis. Last evaluated: 2026-04-14. Review status: criteria provided, single submitter. Criteria: Genomenon Sequence Variant Interpretation Standards - Updated. Collection method: curation. Allele origin: germline. Affected: yes.
Comment: ABCB4 p.Gln423_Thr424insLys (c.1268_1270dup) is a duplication variant that results in the insertion of a Lysine at position 424. This variant has been observed in at least one proband with an ABCB4-related disorder (PMID:31538484). It is absent or not present at a significant frequency in gnomAD. In conclusion, we classify ABCB4 p.Gln423_Thr424insLys (c.1268_1270dup) as a variant of uncertain significance.

Literature cited by the submitters: PubMed 31538484.

NM_000443.4(ABCB4):c.1268_1270dup (p.Gln423_Thr424insLys)

Gene: ABCB4 (ATP binding cassette subfamily B member 4; minus strand). Cytogenetic location: 7q21.12.
Variant type: Duplication.
Coding change: c.1268_1270dup on transcript NM_000443.4 (MANE Select); coding-DNA positions 1268 to 1270, 3 bases duplicated (AGA; older notation c.1268_1270dupAGA).
Protein change: p.Gln423_Thr424insLys.
Genome position (GRCh38, 1-based): chr7:87,443,405-87,443,407, TCT duplicated on the plus strand (AGA on the coding strand, the reverse complement: ABCB4 is on the minus strand). VCF-style (leftmost placement, unchanged base first): chr7-87443404-G-GTCT. GRCh37 (hg19) VCF-style: chr7-87072720-G-GTCT.
Other names: c.1268_1270dup, p.Gln423_Thr424insLys (NM_018849.3, NM_018850.3).
Identifiers: ClinVar variation 4846583 (VCV004846583.1).
Genomic context (GRCh38, chr7:87,443,404, plus strand): 5'-CTCTGTATCAGCTGGACCGTTGTGCTCTTCCCACAGCCACTACTTCCAACCAGGGCCACC[G>GTCT]TCTGCCCACTCTGCACCTTCAGGTTGAGGCCCTTCAAGATCTGTAAGGAAAATGAGAAAA-3'